The following is an entry in ClinVar:

ClinVar aggregate classification (germline): Pathogenic (1 of 4 stars; one submission).

Submission:

Labcorp Genetics (formerly Invitae), Labcorp
Classification: Pathogenic. Last evaluated: 2023-12-13. Review status: criteria provided, single submitter. Criteria: Invitae Variant Classification Sherloc (09022015). Collection method: clinical testing. Allele origin: germline.
Comment: This sequence change creates a premature translational stop signal (p.Arg669*) in the TBCD gene. It is expected to result in an absent or disrupted protein product. Loss-of-function variants in TBCD are known to be pathogenic (PMID: 27666370, 27666374). This variant is not present in population databases (gnomAD no frequency). This variant has not been reported in the literature in individuals affected with TBCD-related conditions. Algorithms developed to predict the effect of sequence changes on RNA splicing suggest that this variant may disrupt the consensus splice site. For these reasons, this variant has been classified as Pathogenic.

Literature cited by the submitters: PubMed 27666370; PubMed 27666374.

NM_005993.5(TBCD):c.2004_2005insT (p.Arg669Ter)

Gene: TBCD (tubulin folding cofactor D). Cytogenetic location: 17q25.3.
Variant type: Insertion.
Coding change: c.2004_2005insT on transcript NM_005993.5 (MANE Select); coding-DNA positions 2004 to 2005, T inserted.
Protein change: p.Arg669Ter; replaces arginine 669 with a stop codon.
Molecular consequence: nonsense.
Genome position: GRCh38 VCF-style: chr17-82909305-C-CT. GRCh37 (hg19) VCF-style: chr17-80867181-C-CT.
Other names: c.1953_1954insT, p.Arg652Ter (NM_001411101.1); c.1923_1924insT, p.Arg642Ter (NM_001411102.1); short protein forms R642*, R669*, R652*.
Identifiers: ClinVar variation 2779835 (VCV002779835.3), dbSNP rs2510369147, ClinGen allele CA2739268511.